The following is an entry in ClinVar:

NM_000049.4(ASPA):c.746A>T (p.Asp249Val)

Genes: ASPA (aspartoacylase; plus strand), SPATA22 (spermatogenesis associated 22; minus strand). Cytogenetic location: 17p13.2.
Variant type: single nucleotide variant.
Coding change: c.746A>T on transcript NM_000049.4 (MANE Select); coding-DNA position 746, A replaced by T.
Protein change: p.Asp249Val; replaces aspartic acid 249 with valine.
Molecular consequence: missense variant. On other transcripts: intron variant (2).
Genome position (GRCh38, 1-based): chr17:3,498,892, A>T. VCF-style: chr17-3498892-A-T. GRCh37 (hg19) VCF-style: chr17-3402186-A-T.
Other names: c.746A>T, p.Asp249Val (NM_001128085.1); c.-74+14520T>A (NM_001321336.2, NM_001321337.2); short protein forms D249V.
Identifiers: ClinVar variation 2615 (VCV000002615.17), dbSNP rs104894552, ClinGen allele CA252364.
Genomic context (GRCh38, chr17:3,498,892, plus strand): 5'-TAAATTTTTAGAGGAGAAAAACCAAATATAATATATTTATTTTGATTGTTTCCTGAGAGG[A>T]TCAAGACTGGAAACCACTGCATCCTGGGGATCCCATGTTTTTAACTCTTGATGGGAAGAC-3'
Protein context (NP_000040.1, residues 239-259): IAAIIHPNLQ[Asp249Val]QDWKPLHPGD

ClinVar aggregate classification (germline): Pathogenic/Likely pathogenic. Review status: criteria provided, multiple submitters, no conflicts (2 of 4 stars). 7 submissions from 7 submitters: Pathogenic (3); Likely pathogenic (2). 2 of the submissions do not count toward it. Last evaluated 2025-08-15.

Conditions:
ASPA-related disorder. Also called: ASPA-related condition.
Spongy degeneration of central nervous system. Also called: Von Bogaert-Bertrand disease; ACY2 DEFICIENCY; AMINOACYLASE 2 DEFICIENCY; ASP DEFICIENCY; ASPA DEFICIENCY; ASPARTOACYLASE DEFICIENCY. Identifiers: Orphanet 141, MedGen C0206307, MONDO:0010079, OMIM 271900.

Allele frequency attached by ClinVar (database versions not stated): TOPMed below 0.00001; gnomAD exomes 0.00006 and 0.00002; ExAC 0.00020.
gnomAD v4.1: 29 of 1,576,364 alleles (0.0018%); highest among the groups gnomAD compares: Non-Finnish European, 0.0018%; no homozygotes.

Submissions (7):

Natera, Inc.
Classification: Likely pathogenic for Canavan Disease. Last evaluated: 2025-08-15. Review status: criteria provided, single submitter. Criteria: Natera Variant Classification Schema (03/2026). Collection method: clinical testing. Allele origin: germline.
Comment: The c.746A>T variant in ASPA is a missense variant predicted to cause substitution of aspartic acid to valine at amino acid 249. This variant is rare in the general population with a frequency below the threshold expected for the associated phenotype(s). This variant has been observed in one or more individuals affected with the associated recessive disease, as either homozygous or compound heterozygous with a second variant (PMID: 12205125, 12638939). Functional studies show that this variant may disrupt protein function (PMID: 12638939, 17391648). Computational prediction algorithms indicate this variant is likely to affect gene or protein function. Given the available evidence, this variant is classified as Likely Pathogenic.

Baylor Genetics
Classification: Pathogenic for Spongy degeneration of central nervous system. Last evaluated: 2024-02-26. Review status: criteria provided, single submitter. Criteria: ACMG Guidelines, 2015. Collection method: clinical testing. Allele origin: unknown.

Blueprint Genetics
Classification: Pathogenic for ASPA-related disorders. Last evaluated: 2023-12-21. Review status: criteria provided, single submitter. Criteria: ACMG Guidelines, 2015. Collection method: clinical testing. Allele origin: germline. Affected: yes. Observed: 4 variant alleles.

Labcorp Genetics (formerly Invitae), Labcorp
Classification: Pathogenic for Spongy degeneration of central nervous system. Last evaluated: 2023-09-08. Review status: criteria provided, single submitter. Criteria: Invitae Variant Classification Sherloc (09022015). Collection method: clinical testing. Allele origin: germline.
Comment: For these reasons, this variant has been classified as Pathogenic. Experimental studies have shown that this missense change affects ASPA function (PMID: 12638939, 17391648, 22850825). An algorithm developed to predict the effect of missense changes on protein structure and function (PolyPhen-2) suggests that this variant is likely to be disruptive. ClinVar contains an entry for this variant (Variation ID: 2615). This missense change has been observed in individual(s) with Canavan disease (PMID: 12205125, 12638939). This variant is present in population databases (rs104894552, gnomAD 0.01%). This sequence change replaces aspartic acid, which is acidic and polar, with valine, which is neutral and non-polar, at codon 249 of the ASPA protein (p.Asp249Val).

Genome-Nilou Lab
Classification: Likely pathogenic for Spongy degeneration of central nervous system. Last evaluated: 2021-11-07. Review status: criteria provided, single submitter. Criteria: ACMG Guidelines, 2015. Collection method: clinical testing. Allele origin: germline. Affected: no.

Counsyl
Classification: Likely pathogenic for Spongy degeneration of central nervous system. Last evaluated: 2015-11-26. Review status: no assertion criteria provided. Collection method: clinical testing. Allele origin: unknown. Not counted in ClinVar's aggregate classification.

OMIM
Classification: Pathogenic for CANAVAN DISEASE. Last evaluated: 2002-11-01. Review status: no assertion criteria provided. Collection method: literature only. Allele origin: germline. Not counted in ClinVar's aggregate classification.

Literature cited by the submitters: PubMed 12205125 (cited by 3 submitters); PubMed 12638939 (cited by 4 submitters); PubMed 17391648 (cited by 3 submitters); PubMed 22850825 (cited by Labcorp Genetics (formerly Invitae), Labcorp and Counsyl).